The following is an entry in ClinVar:

ClinVar aggregate classification (germline): Uncertain significance (1 of 4 stars; one submission).

Conditions:
Inborn genetic diseases. Identifiers: MedGen C0950123, MeSH D030342.

Submission:

Ambry Genetics
Classification: Uncertain significance for Inborn genetic diseases. Last evaluated: 2022-11-10. Review status: criteria provided, single submitter. Criteria: Ambry Variant Classification Scheme 2023. Collection method: clinical testing. Allele origin: germline.
Comment: The p.M266T variant (also known as c.797T>C), located in coding exon 8 of the MDH2 gene, results from a T to C substitution at nucleotide position 797. The methionine at codon 266 is replaced by threonine, an amino acid with similar properties. This amino acid position is conserved. In addition, this alteration is predicted to be tolerated by in silico analysis. Since supporting evidence is limited at this time, the clinical significance of this alteration remains unclear.

NM_005918.4(MDH2):c.797T>C (p.Met266Thr)

Gene: MDH2 (malate dehydrogenase 2; plus strand). Cytogenetic location: 7q11.23.
Variant type: single nucleotide variant.
Coding change: c.797T>C on transcript NM_005918.4 (MANE Select); coding-DNA position 797, T replaced by C.
Protein change: p.Met266Thr; replaces methionine 266 with threonine.
Molecular consequence: missense variant.
Genome position (GRCh38, 1-based): chr7:76,064,865, T>C. VCF-style: chr7-76064865-T-C. GRCh37 (hg19) VCF-style: chr7-75694183-T-C.
Other names: c.671T>C, p.Met224Thr (NM_001282403.2); c.476T>C, p.Met159Thr (NM_001282404.2); short protein forms M159T, M224T, M266T.
Identifiers: ClinVar variation 2447831 (VCV002447831.2), dbSNP rs2535873193, ClinGen allele CA367768309.